The following is an entry in ClinVar:

ClinVar aggregate classification (germline): Uncertain significance (1 of 4 stars; one submission).

Allele frequency attached by ClinVar (database versions not stated): gnomAD exomes below 0.00001.
gnomAD v4.1: 1 of 1,612,660 alleles (0.000062%); highest among the groups gnomAD compares: Admixed American, 0.0017%; no homozygotes.

Submission:

GeneDx
Classification: Uncertain significance. Last evaluated: 2022-09-28. Review status: criteria provided, single submitter. Criteria: GeneDx Variant Classification Process June 2021. Collection method: clinical testing. Allele origin: germline. Affected: yes.
Comment: Not observed at significant frequency in large population cohorts (gnomAD); In silico analysis supports that this missense variant does not alter protein structure/function; Has not been previously published as pathogenic or benign to our knowledge

NM_016628.5(WAC):c.1213A>G (p.Lys405Glu)

Gene: WAC (WW domain containing adaptor with coiled-coil; plus strand). Cytogenetic location: 10p12.1.
Variant type: single nucleotide variant.
Coding change: c.1213A>G on transcript NM_016628.5 (MANE Select); coding-DNA position 1213, A replaced by G.
Protein change: p.Lys405Glu; replaces lysine 405 with glutamic acid.
Molecular consequence: missense variant.
Genome position (GRCh38, 1-based): chr10:28,610,746, A>G. VCF-style: chr10-28610746-A-G. GRCh37 (hg19) VCF-style: chr10-28899675-A-G.
Other names: c.1078A>G, p.Lys360Glu (NM_100264.3); c.904A>G, p.Lys302Glu (NM_100486.4); short protein forms K302E, K360E, K405E.
Identifiers: ClinVar variation 2446630 (VCV002446630.1), dbSNP rs2492142169, ClinGen allele CA376403342.
Genomic context (GRCh38, chr10:28,610,746, plus strand): 5'-AATATGTTTTTAGTTCTTACAGCAGCTGTGACACAAGCCTCACTGCAGTCTATAATTCAT[A>G]AGTTTCTTACTGCTGGACCATCTGCTTTCAACATAACGTCTCTGATTTCTCAAGCTGCTC-3'
Protein context (NP_057712.2, residues 395-415): TQASLQSIIH[Lys405Glu]FLTAGPSAFN